The following is an entry in ClinVar:

NM_001374736.1(DST):c.19143G>C (p.Leu6381Phe)

Gene: DST (dystonin; minus strand). Cytogenetic location: 6p12.1.
Variant type: single nucleotide variant.
Coding change: c.19143G>C on transcript NM_001374736.1 (MANE Select); coding-DNA position 19143, G replaced by C.
Protein change: p.Leu6381Phe; replaces leucine 6381 with phenylalanine.
Molecular consequence: missense variant.
Genome position (GRCh38, 1-based): chr6:56,508,625, C>G on the plus strand (G>C on the coding strand, the complement: DST is on the minus strand). VCF-style: chr6-56508625-C-G. GRCh37 (hg19) VCF-style: chr6-56373423-C-G.
Other names: c.12786G>C, p.Leu4262Phe (NM_001144769.5); c.12372G>C, p.Leu4124Phe (NM_001144770.2); c.19143G>C, p.Leu6381Phe (NM_001374722.1); c.18183G>C, p.Leu6061Phe (NM_001374729.1); c.11925G>C, p.Leu3975Phe (NM_001374730.1); c.19170G>C, p.Leu6390Phe (NM_001374734.1); c.12252G>C, p.Leu4084Phe (NM_001386100.1, NM_183380.4); c.11274G>C, p.Leu3758Phe (NM_015548.5); short protein forms L3975F, L3758F, L6381F, L4084F, L6061F, L4124F, L4262F, L6390F.
Identifiers: ClinVar variation 1766970 (VCV001766970.2), dbSNP rs2534315098, ClinGen allele CA364523529.

ClinVar aggregate classification (germline): Uncertain significance (1 of 4 stars; one submission).

Conditions:
Inborn genetic diseases. Identifiers: MedGen C0950123, MeSH D030342.

Submission:

Ambry Genetics
Classification: Uncertain significance for Inborn genetic diseases. Last evaluated: 2021-11-20. Review status: criteria provided, single submitter. Criteria: Ambry Variant Classification Scheme 2023. Collection method: clinical testing. Allele origin: germline.
Comment: The p.L4262F variant (also known as c.12786G>C), located in coding exon 69 of the DST gene, results from a G to C substitution at nucleotide position 12786. The leucine at codon 4262 is replaced by phenylalanine, an amino acid with highly similar properties. This amino acid position is highly conserved in available vertebrate species. In addition, the in silico prediction for this alteration is inconclusive. Since supporting evidence is limited at this time, the clinical significance of this alteration remains unclear.